The following is an entry in ClinVar:

ClinVar aggregate classification (germline): Likely pathogenic (0 of 4 stars; one submission).

Conditions:
X-linked intellectual disability Cabezas type (MRXSC). Also called: CABEZAS SYNDROME; MENTAL RETARDATION, X-LINKED, SYNDROMIC 15; Intellectual developmental disorder, X-linked syndromic, Cabezas type. Identifiers: Orphanet 85289, Orphanet 85293, MedGen C1845861, MONDO:0010306, OMIM 300354.

Submission:

Solve-RD Consortium
Classification: Likely pathogenic for X-linked intellectual disability Cabezas type. Last evaluated: 2022-06-01. Review status: no assertion criteria provided. Collection method: provider interpretation. Allele origin: inherited. Affected: yes.
Comment: Variant confirmed as disease-causing by referring clinical team

Variant identified during reanalysis of unsolved cases by the Solve-RD project. The Solve-RD project has received funding from the European Union’s Horizon 2020 research and innovation programme under grant agreement No 779257.

Literature cited by the submitters: PubMed 39825153.

NM_001079872.2(CUL4B):c.1007_1011del (p.Ile336fs)

Gene: CUL4B (cullin 4B; minus strand). Cytogenetic location: Xq24.
Variant type: Deletion.
Coding change: c.1007_1011del on transcript NM_001079872.2 (MANE Select); coding-DNA positions 1007 to 1011, 5 bases deleted (TTGAG; older notation c.1007_1011delTTGAG).
Protein change: p.Ile336fs; shifts the reading frame from isoleucine 336.
Molecular consequence: frameshift variant.
Genome position (GRCh38, 1-based): chrX:120,544,553-120,544,557, CTCAA deleted on the plus strand (TTGAG on the coding strand, the reverse complement: CUL4B is on the minus strand). VCF-style (leftmost placement, unchanged base first): chrX-120544552-TCTCAA-T. GRCh37 (hg19) VCF-style: chrX-119678407-TCTCAA-T.
Other names: c.1022_1026del, p.Ile341fs (NM_001330624.2); c.473_477del, p.Ile158fs (NM_001369145.1); c.1061_1065del, p.Ile354fs (NM_003588.4); short protein forms I158fs, I336fs, I341fs, I354fs.
Identifiers: ClinVar variation 3338087 (VCV003338087.1).